The following is an entry in ClinVar:

ClinVar aggregate classification (germline): Uncertain significance (1 of 4 stars; one submission).

Conditions:
Dihydropteridine reductase deficiency (HPABH4C). Also called: DHPR DEFICIENCY; BH4-Deficient Hyperphenylalaninemia C; Hyperphenylalaninemia due to dihydropteridine reductase deficiency; Hyperphenylalaninemia, BH-4-deficient, C; Phenylketonuria type 2; HYPERPHENYLALANINEMIA, TETRAHYDROBIOPTERIN-DEFICIENT, DUE TO DHPR DEFICIENCY. Identifiers: Orphanet 226, Orphanet 238583, MedGen C0268465, MONDO:0009862, OMIM 261630.

Allele frequency attached by ClinVar (database versions not stated): gnomAD exomes below 0.00001.
gnomAD v4.1: 2 of 1,614,090 alleles (0.00012%); highest among the groups gnomAD compares: Non-Finnish European, 0.00017%; no homozygotes.

Submission:

Labcorp Genetics (formerly Invitae), Labcorp
Classification: Uncertain significance for Dihydropteridine reductase deficiency. Last evaluated: 2021-08-27. Review status: criteria provided, single submitter. Criteria: Invitae Variant Classification Sherloc (09022015). Collection method: clinical testing. Allele origin: germline.
Comment: This sequence change replaces lysine with glutamine at codon 138 of the QDPR protein (p.Lys138Gln). The lysine residue is highly conserved and there is a small physicochemical difference between lysine and glutamine. This variant is not present in population databases (ExAC no frequency). This variant has not been reported in the literature in individuals affected with QDPR-related conditions. Algorithms developed to predict the effect of missense changes on protein structure and function (SIFT, PolyPhen-2, Align-GVGD) all suggest that this variant is likely to be tolerated. Algorithms developed to predict the effect of sequence changes on RNA splicing suggest that this variant may create or strengthen a splice site. In summary, the available evidence is currently insufficient to determine the role of this variant in disease. Therefore, it has been classified as a Variant of Uncertain Significance.

NM_000320.3(QDPR):c.412A>C (p.Lys138Gln)

Gene: QDPR (quinoid dihydropteridine reductase; minus strand). Cytogenetic location: 4p15.32.
Variant type: single nucleotide variant.
Coding change: c.412A>C on transcript NM_000320.3 (MANE Select); coding-DNA position 412, A replaced by C.
Protein change: p.Lys138Gln; replaces lysine 138 with glutamine.
Molecular consequence: missense variant. On other transcripts: non-coding transcript variant (1).
Genome position (GRCh38, 1-based): chr4:17,501,743, T>G on the plus strand (A>C on the coding strand, the complement: QDPR is on the minus strand). VCF-style: chr4-17501743-T-G. GRCh37 (hg19) VCF-style: chr4-17503366-T-G.
Other names: c.319A>C, p.Lys107Gln (NM_001306140.2); short protein forms K107Q, K138Q.
Identifiers: ClinVar variation 1399517 (VCV001399517.5), dbSNP rs2108992947, ClinGen allele CA356447798.